The following is an entry in ClinVar:

ClinVar aggregate classification (germline): Pathogenic (1 of 4 stars; one submission).

Conditions:
Joubert syndrome and related disorders. Identifiers: Orphanet 140874, MedGen C5679612, MONDO:0015369.

Submission:

Women's Health and Genetics/Laboratory Corporation of America, LabCorp
Classification: Pathogenic for Joubert syndrome and related disorders. Last evaluated: 2024-08-14. Review status: criteria provided, single submitter. Criteria: LabCorp Variant Classification Summary - May 2015. Collection method: clinical testing. Allele origin: germline.
Comment: Variant summary: The variant involves the deletion of exons 11-20 in the NPHP1 gene. A presumed nomenclature of c.(1122+1_1123-1)_(*444_?)del has been designated for the purposes of this classification. The exact breakpoint at the distal 3' end of this variant is unknown, therefore this deletion may extend downstream of the annotated region of the gene. As it encompasses the termination codon, it is predicted to escape nonsense mediated decay (NMD). The variant was absent in 21694 chromosomes. To our knowledge, no occurrence of c.(1122+1_1123-1)_(*444_?)del in individuals affected with Joubert Syndrome And Related Disorders and no experimental evidence demonstrating its impact on protein function have been reported. However, at least one non-NMD variant in the overlapping deleted region (p.Ser718*) is pathogenic (PMID: 23559409), suggesting that loss of this region is deleterious. No submitters have cited clinical-significance assessments for this variant to ClinVar. Based on the evidence outlined above, the variant was classified as pathogenic.

NC_000002.11:g.(?_110880924)_(110917833_110919179)del

Gene: NPHP1 (nephrocystin 1; minus strand). Cytogenetic location: 2q13.
Variant type: Deletion.
Identifiers: ClinVar variation 3366791 (VCV003366791.1).